The following is an entry in ClinVar:

NM_020706.2(SCAF4):c.655C>T (p.Leu219Phe)

Gene: SCAF4 (SR-related CTD associated factor 4; minus strand). Cytogenetic location: 21q22.11.
Variant type: single nucleotide variant.
Coding change: c.655C>T on transcript NM_020706.2 (MANE Select); coding-DNA position 655, C replaced by T.
Protein change: p.Leu219Phe; replaces leucine 219 with phenylalanine.
Molecular consequence: missense variant.
Genome position (GRCh38, 1-based): chr21:31,701,117, G>A on the plus strand (C>T on the coding strand, the complement: SCAF4 is on the minus strand). VCF-style: chr21-31701117-G-A. GRCh37 (hg19) VCF-style: chr21-33073430-G-A.
Other names: c.610C>T, p.Leu204Phe (NM_001145444.1); c.655C>T, p.Leu219Phe (NM_001145445.1); short protein forms L204F, L219F.
Identifiers: ClinVar variation 3902788 (VCV003902788.1).

ClinVar aggregate classification (germline): Uncertain significance (1 of 4 stars; one submission).

gnomAD v4.1: 6 of 1,611,706 alleles (0.00037%); highest among the groups gnomAD compares: South Asian, 0.0033%; no homozygotes.

Submission:

Women's Health and Genetics/Laboratory Corporation of America, LabCorp
Classification: Uncertain significance. Last evaluated: 2025-05-20. Review status: criteria provided, single submitter. Criteria: LabCorp Variant Classification Summary - May 2015. Collection method: clinical testing. Allele origin: germline.
Comment: Variant summary: SCAF4 c.655C>T (p.Leu219Phe) results in a non-conservative amino acid change in the encoded protein sequence. Algorithms developed to predict the effect of missense changes on protein structure and function are either unavailable or do not agree on the potential impact of this missense change. The variant was absent in 248622 control chromosomes (gnomAD). The available data on variant occurrences in the general population are insufficient to allow any conclusion about variant significance. To our knowledge, no occurrence of c.655C>T in individuals affected with Fliedner-Zweier Syndrome and no experimental evidence demonstrating its impact on protein function have been reported. No submitters have cited clinical-significance assessments for this variant to ClinVar. Based on the evidence outlined above, the variant was classified as uncertain significance.